The following is an entry in ClinVar:

ClinVar aggregate classification (germline): Uncertain significance (1 of 4 stars; one submission).

gnomAD v4.1: 9 of 1,613,876 alleles (0.00056%); highest among the groups gnomAD compares: Admixed American, 0.0017%; no homozygotes.

Submission:

GeneDx
Classification: Uncertain significance. Last evaluated: 2025-05-28. Review status: criteria provided, single submitter. Criteria: GeneDx Variant Classification Process June 2021. Collection method: clinical testing. Allele origin: germline. Affected: yes.
Comment: Not observed at significant frequency in large population cohorts (gnomAD); Missense variant in a gene in which most reported pathogenic variants are truncating/loss of function; Has not been previously published as pathogenic or benign to our knowledge

NM_001267550.2(TTN):c.5254C>T (p.Arg1752Cys)

Gene: TTN (titin; minus strand). Cytogenetic location: 2q31.2.
Variant type: single nucleotide variant.
Coding change: c.5254C>T on transcript NM_001267550.2 (MANE Select); coding-DNA position 5254, C replaced by T.
Protein change: p.Arg1752Cys; replaces arginine 1752 with cysteine.
Molecular consequence: missense variant.
Genome position (GRCh38, 1-based): chr2:178,776,610, G>A on the plus strand (C>T on the coding strand, the complement: TTN is on the minus strand). VCF-style: chr2-178776610-G-A. GRCh37 (hg19) VCF-style: chr2-179641337-G-A.
Other names: c.5254C>T, p.Arg1752Cys (NM_001256850.1, NM_133378.4, NM_133379.5); c.5116C>T, p.Arg1706Cys (NM_003319.4, NM_133432.3, NM_133437.4); short protein forms R1706C, R1752C.
Identifiers: ClinVar variation 4532340 (VCV004532340.1).